The following is an entry in ClinVar:

ClinVar aggregate classification (germline): Conflicting classifications of pathogenicity. Review status: criteria provided, conflicting classifications (1 of 4 stars). 6 submissions from 6 submitters: Uncertain significance (5); Benign (1). Last evaluated 2025-09-01.

Conditions:
Tuberous sclerosis syndrome (TSC). Also called: Tuberous Sclerosis Complex; Tuberous sclerosis. Identifiers: Orphanet 805, MedGen C0041341, MONDO:0001734.
TSC2-related disorder. Also called: TSC2-Related Disorders; TSC2-related condition.
Tuberous sclerosis 2 (TSC2). Identifiers: Orphanet 805, MedGen C1860707, MONDO:0013199, OMIM 613254.
Hereditary cancer-predisposing syndrome. Also called: Neoplastic Syndromes, Hereditary; Hereditary neoplastic syndrome; Tumor predisposition; Hereditary Cancer Syndrome. Identifiers: Orphanet 140162, MedGen C0027672, MeSH D009386, MONDO:0015356.

Allele frequency attached by ClinVar (database versions not stated): gnomAD exomes below 0.00001; gnomAD 0.00001; TOPMed 0.00001.
gnomAD v4.1: 3 of 1,613,752 alleles (0.00019%); highest among the groups gnomAD compares: Non-Finnish European, 0.00025%; no homozygotes.

Submissions (6):

Labcorp Genetics (formerly Invitae), Labcorp
Classification: Benign for Tuberous sclerosis 2. Last evaluated: 2025-09-01. Review status: criteria provided, single submitter. Criteria: Invitae Variant Classification Sherloc (09022015). Collection method: clinical testing. Allele origin: germline.

Ambry Genetics
Classification: Uncertain significance for Hereditary cancer-predisposing syndrome. Last evaluated: 2025-03-28. Review status: criteria provided, single submitter. Criteria: Ambry Variant Classification Scheme 2023. Collection method: clinical testing. Allele origin: germline.
Comment: The p.P497H variant (also known as c.1490C>A), located in coding exon 14 of the TSC2 gene, results from a C to A substitution at nucleotide position 1490. The proline at codon 497 is replaced by histidine, an amino acid with similar properties. This amino acid position is well conserved in available vertebrate species. In addition, the in silico prediction for this alteration is inconclusive. Based on the available evidence, the clinical significance of this variant remains unclear.

All of Us Research Program, National Institutes of Health
Classification: Uncertain significance for Tuberous sclerosis syndrome. Last evaluated: 2024-04-16. Review status: criteria provided, single submitter. Criteria: ACMG Guidelines, 2015. Collection method: clinical testing. Allele origin: germline. Inheritance: Autosomal dominant inheritance. Observed: 1 variant allele, 1 heterozygote.
Comment: This missense variant replaces proline with histidine at codon 497 of the TSC2 protein. Computational prediction suggests that this variant may not impact protein structure and function (internally defined REVEL score threshold <= 0.5, PMID: 27666373). To our knowledge, functional studies have not been reported for this variant. This variant has not been reported in individuals affected with TSC2-related disorders in the literature. This variant has not been identified in the general population by the Genome Aggregation Database (gnomAD). The available evidence is insufficient to determine the role of this variant in disease conclusively. Therefore, this variant is classified as a Variant of Uncertain Significance.

This study involves interpretation of variants in research participants for the purpose of population health screening. Participant phenotype was not available at the time of variant classification. Additional details can be found in publication PMID: 35346344, PMCID: PMC8962531

Color Diagnostics, LLC DBA Color Health
Classification: Uncertain significance for Tuberous sclerosis syndrome. Last evaluated: 2024-03-19. Review status: criteria provided, single submitter. Criteria: ACMG Guidelines, 2015. Collection method: clinical testing. Allele origin: germline.
Comment: This missense variant replaces proline with histidine at codon 497 of the TSC2 protein. Computational prediction suggests that this variant may not impact protein structure and function. To our knowledge, functional studies have not been reported for this variant. This variant has not been reported in individuals affected with TSC2-related disorders in the literature. This variant has not been identified in the general population by the Genome Aggregation Database (gnomAD). The available evidence is insufficient to determine the role of this variant in disease conclusively. Therefore, this variant is classified as a Variant of Uncertain Significance.

Quest Diagnostics Nichols Institute San Juan Capistrano
Classification: Uncertain significance. Last evaluated: 2024-01-26. Review status: criteria provided, single submitter. Criteria: Quest Diagnostics criteria. Collection method: clinical testing. Allele origin: unknown.

PreventionGenetics, part of Exact Sciences
Classification: Uncertain significance for TSC2-related condition. Last evaluated: 2023-03-10. Review status: criteria provided, single submitter. Criteria: ACMG Guidelines, 2015. Collection method: clinical testing. Allele origin: germline.
Comment: The TSC2 c.1490C>A variant is predicted to result in the amino acid substitution p.Pro497His. To our knowledge, this variant has not been reported in the literature or in a large population database, indicating this variant is rare. At this time, the clinical significance of this variant is uncertain due to the absence of conclusive functional and genetic evidence.

NM_000548.5(TSC2):c.1490C>A (p.Pro497His)

Gene: TSC2 (TSC complex subunit 2; plus strand). Cytogenetic location: 16p13.3.
Variant type: single nucleotide variant.
Coding change: c.1490C>A on transcript NM_000548.5 (MANE Select); coding-DNA position 1490, C replaced by A.
Protein change: p.Pro497His; replaces proline 497 with histidine.
Molecular consequence: missense variant.
Genome position (GRCh38, 1-based): chr16:2,064,318, C>A. VCF-style: chr16-2064318-C-A. GRCh37 (hg19) VCF-style: chr16-2114319-C-A.
Other names: c.1490C>A, p.Pro497His (NM_001077183.3, NM_001114382.3, NM_001363528.2 and 3 more transcripts); c.1379C>A, p.Pro460His (NM_001318827.2); c.1343C>A, p.Pro448His (NM_001318829.2); c.890C>A, p.Pro297His (NM_001318831.2); c.1523C>A, p.Pro508His (NM_001318832.2); c.1490C>A (NM_000548.4); short protein forms P448H, P497H, P508H, P460H, P297H.
Identifiers: ClinVar variation 660968 (VCV000660968.15), dbSNP rs1484576810, ClinGen allele CA394325945.